The following is an entry in ClinVar:

ClinVar aggregate classification (germline): Uncertain significance. Review status: reviewed by expert panel (3 of 4 stars). 2 submissions from 2 submitters: Uncertain significance (1). 1 of the submissions does not count toward it. Last evaluated 2023-10-17.

Conditions:
Glanzmann thrombasthenia. Also called: PLATELET GLYCOPROTEIN IIb-IIIa DEFICIENCY; THROMBASTHENIA OF GLANZMANN AND NAEGELI; Glanzmann's thrombasthenia; Thrombasthenia. Identifiers: Orphanet 849, MedGen C0040015, MONDO:0100326.
Glanzmann thrombasthenia 1 (GT1). Also called: BLEEDING DISORDER, PLATELET-TYPE, 2; GP IIb-IIIa COMPLEX DEFICIENCY; GLYCOPROTEIN COMPLEX IIb-IIIa DEFICIENCY; PLATELET FIBRINOGEN RECEPTOR DEFICIENCY. Identifiers: MedGen CN300358, MONDO:0031332, OMIM 273800.

gnomAD v4.1: 1 of 1,613,628 alleles (0.000062%); no homozygotes.

Submissions (2):

ClinGen Platelet Disorders Variant Curation Expert Panel, ClinGen
Classification: Uncertain significance for Glanzmann thrombasthenia. Last evaluated: 2023-10-17. Review status: reviewed by expert panel. Criteria: ClinGen Platelet ACMG Specifications v2-1. Collection method: curation. Allele origin: germline. Inheritance: Autosomal recessive inheritance.
Comment: Splicing was predicted to be impacted with the loss of an acceptor site by Splice AI (0.72) and varSEAK (PP3). This variant is absent from gnomAD v2.1.1 (PM2_Supporting). This variant was homozygous in the reported individual (Patient 8, PMID: 31029159) with a clinical diagnosis of GT. Since this was a homozygous occurrence and this variant was not seen in the literature elsewhere; per SVI recommendations this receives 0.5pt since this variant has a MAF of <0.0001 (PM3_Supporting). In summary, this variant meets the criteria to be classified as uncertain significance for autosomal recessive Glanzmann Thrombasthenia based on the ACMG/AMP criteria applied, as specified by the ClinGen PD VCEP: PM2_supporting, PM3_Supporting, PP3 (VCEP specifications version 2.1).

3billion
Classification: Uncertain significance for Glanzmann thrombasthenia 1. Last evaluated: 2022-05-22. Review status: criteria provided, single submitter. Criteria: ACMG Guidelines, 2015. Collection method: clinical testing. Allele origin: germline. Affected: yes. Observed: 1 homozygote. Not counted in ClinVar's aggregate classification.
Comment: The variant is not observed in the gnomAD v2.1.1 dataset. In silico tools predict the variant to alter splicing and produce an abnormal transcript (SpliceAI: 0.72). Therefore, this variant is classified as uncertain significanceaccording to the recommendation of ACMG/AMP guideline.

NM_000419.5(ITGA2B):c.409-3C>G

Genes: ITGA2B (integrin subunit alpha 2b; minus strand), LOC130060983 (ATAC-STARR-seq lymphoblastoid active region 12261; plus strand). Cytogenetic location: 17q21.31.
Variant type: single nucleotide variant.
Coding change: c.409-3C>G on transcript NM_000419.5 (MANE Select); 3 bases into the intron before coding-DNA position 409, C replaced by G.
Molecular consequence: intron variant.
Genome position (GRCh38, 1-based): chr17:44,385,719, G>C on the plus strand (C>G on the coding strand, the complement: ITGA2B is on the minus strand). VCF-style: chr17-44385719-G-C. GRCh37 (hg19) VCF-style: chr17-42463087-G-C.
Identifiers: ClinVar variation 1687232 (VCV001687232.2), dbSNP rs2143489585, ClinGen allele CA915940224.
Genomic context (GRCh38, chr17:44,385,719, plus strand): 5'-TCTTCTCAGCCTCCTCAGTCTTTTCTAGGACGTTCCAGTGCTGCCAGGGGGCGCAGGCCT[G>C]GAGAAAGGCCACAGGAGTGGGGACGGGCGCGAGACTTGGGCTCCTCCTGGCCCCAGGTGT-3'